The following is an entry in ClinVar:

ClinVar aggregate classification (germline): Uncertain significance (1 of 4 stars; one submission).

Conditions:
Long QT syndrome (LQTS). Identifiers: MedGen C0023976, MeSH D008133, MONDO:0002442. Disease mechanism: loss of function. Inheritance: Various modes of inheritance.

Allele frequency attached by ClinVar (database versions not stated): TOPMed below 0.00001; ExAC 0.00001; gnomAD 0.00001; gnomAD exomes 0.00001.
gnomAD v4.1: 5 of 1,613,176 alleles (0.00031%); highest among the groups gnomAD compares: Admixed American, 0.005%; no homozygotes.

Submission:

Labcorp Genetics (formerly Invitae), Labcorp
Classification: Uncertain significance for Long QT syndrome. Last evaluated: 2022-09-13. Review status: criteria provided, single submitter. Criteria: Invitae Variant Classification Sherloc (09022015). Collection method: clinical testing. Allele origin: germline.
Comment: In summary, the available evidence is currently insufficient to determine the role of this variant in disease. Therefore, it has been classified as a Variant of Uncertain Significance. Algorithms developed to predict the effect of missense changes on protein structure and function are either unavailable or do not agree on the potential impact of this missense change (SIFT: "Deleterious"; PolyPhen-2: "Probably Damaging"; Align-GVGD: "Class C0"). ClinVar contains an entry for this variant (Variation ID: 1512466). This variant has not been reported in the literature in individuals affected with AKAP9-related conditions. This variant is present in population databases (rs762427337, gnomAD 0.006%). This sequence change replaces glutamine, which is neutral and polar, with arginine, which is basic and polar, at codon 2042 of the AKAP9 protein (p.Gln2042Arg).

NM_005751.5(AKAP9):c.6125A>G (p.Gln2042Arg)

Gene: AKAP9 (A-kinase anchoring protein 9; plus strand). Cytogenetic location: 7q21.2.
Variant type: single nucleotide variant.
Coding change: c.6125A>G on transcript NM_005751.5 (MANE Select); coding-DNA position 6125, A replaced by G.
Protein change: p.Gln2042Arg; replaces glutamine 2042 with arginine.
Molecular consequence: missense variant.
Genome position (GRCh38, 1-based): chr7:92,065,378, A>G. VCF-style: chr7-92065378-A-G. GRCh37 (hg19) VCF-style: chr7-91694692-A-G.
Other names: c.770A>G, p.Gln257Arg (NM_001379277.1); c.6125A>G, p.Gln2042Arg (NM_147185.3); short protein forms Q2042R, Q257R.
Identifiers: ClinVar variation 1512466 (VCV001512466.8), dbSNP rs762427337, ClinGen allele CA4337000.
Genomic context (GRCh38, chr7:92,065,378, plus strand): 5'-AAGTGAAAGCTCTAGAAATAGATGTGGAAGAACAAGTCAGTAGGTTTATAGAGCTGGAAC[A>G]AGAAAAAAATACTGAACTAATGGATTTAAGACAGCAAAACCAAGCATTGGAAAAGCAGTT-3'
Protein context (NP_005742.4, residues 2032-2052): EQVSRFIELE[Gln2042Arg]EKNTELMDLR